The following is an entry in ClinVar:

NM_000245.4(MET):c.82G>C (p.Glu28Gln)

Gene: MET (MET proto-oncogene, receptor tyrosine kinase; plus strand). Cytogenetic location: 7q31.2.
Variant type: single nucleotide variant.
Coding change: c.82G>C on transcript NM_000245.4 (MANE Select); coding-DNA position 82, G replaced by C.
Protein change: p.Glu28Gln; replaces glutamic acid 28 with glutamine.
Molecular consequence: missense variant. On other transcripts: intron variant (1).
Genome position (GRCh38, 1-based): chr7:116,699,166, G>C. VCF-style: chr7-116699166-G-C. GRCh37 (hg19) VCF-style: chr7-116339220-G-C.
Other names: c.82G>C, p.Glu28Gln (NM_001127500.3, NM_001324401.3); c.-91+26589G>C (NM_001324402.2); short protein forms E28Q.
Identifiers: ClinVar variation 2766545 (VCV002766545.3), dbSNP rs1562882876, ClinGen allele CA368968302.

ClinVar aggregate classification (germline): Uncertain significance (1 of 4 stars; one submission).

Conditions:
Renal cell carcinoma. Identifiers: Orphanet 217071, MedGen C0007134, MeSH D002292, MONDO:0005086, HP:0005584.

Submission:

Labcorp Genetics (formerly Invitae), Labcorp
Classification: Uncertain significance for Renal cell carcinoma. Last evaluated: 2023-10-06. Review status: criteria provided, single submitter. Criteria: Invitae Variant Classification Sherloc (09022015). Collection method: clinical testing. Allele origin: germline.
Comment: This sequence change replaces glutamic acid, which is acidic and polar, with glutamine, which is neutral and polar, at codon 28 of the MET protein (p.Glu28Gln). This variant is not present in population databases (gnomAD no frequency). This variant has not been reported in the literature in individuals affected with MET-related conditions. Advanced modeling of protein sequence and biophysical properties (such as structural, functional, and spatial information, amino acid conservation, physicochemical variation, residue mobility, and thermodynamic stability) has been performed at Invitae for this missense variant, however the output from this modeling did not meet the statistical confidence thresholds required to predict the impact of this variant on MET protein function. In summary, the available evidence is currently insufficient to determine the role of this variant in disease. Therefore, it has been classified as a Variant of Uncertain Significance.